The following is an entry in ClinVar:

ClinVar aggregate classification (germline): Uncertain significance (1 of 4 stars; one submission).

Submission:

Labcorp Genetics (formerly Invitae), Labcorp
Classification: Uncertain significance. Last evaluated: 2024-06-03. Review status: criteria provided, single submitter. Criteria: Invitae Variant Classification Sherloc (09022015). Collection method: clinical testing. Allele origin: germline.
Comment: This sequence change replaces glycine, which is neutral and non-polar, with arginine, which is basic and polar, at codon 176 of the PRPF31 protein (p.Gly176Arg). This variant is not present in population databases (gnomAD no frequency). This variant has not been reported in the literature in individuals affected with PRPF31-related conditions. An algorithm developed to predict the effect of missense changes on protein structure and function (PolyPhen-2) suggests that this variant is likely to be disruptive. In summary, the available evidence is currently insufficient to determine the role of this variant in disease. Therefore, it has been classified as a Variant of Uncertain Significance.

NM_015629.4(PRPF31):c.526G>A (p.Gly176Arg)

Gene: PRPF31 (pre-mRNA processing factor 31; plus strand). Cytogenetic location: 19q13.42.
Variant type: single nucleotide variant.
Coding change: c.526G>A on transcript NM_015629.4 (MANE Select); coding-DNA position 526, G replaced by A.
Protein change: p.Gly176Arg; replaces glycine 176 with arginine.
Molecular consequence: missense variant.
Genome position (GRCh38, 1-based): chr19:54,123,559, G>A. VCF-style: chr19-54123559-G-A. GRCh37 (hg19) VCF-style: chr19-54626938-G-A.
Other names: short protein forms G176R.
Identifiers: ClinVar variation 2801581 (VCV002801581.3), dbSNP rs1470235353, ClinGen allele CA407750410.